The following is an entry in ClinVar:

NM_000535.7(PMS2):c.2531C>A (p.Pro844His)

Gene: PMS2 (PMS1 homolog 2, mismatch repair system component; minus strand). Cytogenetic location: 7p22.1.
Variant type: single nucleotide variant.
Coding change: c.2531C>A on transcript NM_000535.7 (MANE Select); coding-DNA position 2531, C replaced by A.
Protein change: p.Pro844His; replaces proline 844 with histidine.
Molecular consequence: missense variant. On other transcripts: non-coding transcript variant (1).
Genome position (GRCh38, 1-based): chr7:5,973,457, G>T on the plus strand (C>A on the coding strand, the complement: PMS2 is on the minus strand). VCF-style: chr7-5973457-G-T. GRCh37 (hg19) VCF-style: chr7-6013088-G-T.
Other names: c.2126C>A, p.Pro709His (NM_001322003.2, NM_001322004.2, NM_001322005.2); c.2375C>A, p.Pro792His (NM_001322006.2); c.2213C>A, p.Pro738His (NM_001322007.2, NM_001322008.2); c.2159C>A, p.Pro720His (NM_001322009.2); c.1970C>A, p.Pro657His (NM_001322010.2); c.1598C>A, p.Pro533His (NM_001322011.2, NM_001322012.2); c.1958C>A, p.Pro653His (NM_001322013.2); c.2564C>A, p.Pro855His (NM_001322014.2); and 2 more; short protein forms P844H, P657H, P738H, P792H, P533H, P653H, P709H, P720H.
Identifiers: ClinVar variation 142877 (VCV000142877.21), dbSNP rs587782787, ClinGen allele CA011663.

ClinVar aggregate classification (germline): Pathogenic/Likely pathogenic. Review status: criteria provided, multiple submitters, no conflicts (2 of 4 stars). 9 submissions from 9 submitters: Pathogenic (4); Likely pathogenic (3). 2 of the submissions do not count toward it. Last evaluated 2026-01-11.

Conditions:
PMS2-related disorder. Also called: PMS2-related condition.
Hereditary nonpolyposis colon cancer (HNPCC). Also called: Hereditary nonpolyposis colorectal cancer; Familial nonpolyposis colon cancer; Hereditary Nonpolyposis Colorectal Cancer Syndrome. Identifiers: Orphanet 443909, MedGen C1333990, MONDO:0018630. Disease mechanism: loss of function.
Hereditary nonpolyposis colorectal neoplasms. Identifiers: MedGen C0009405, MeSH D003123.
Hereditary cancer-predisposing syndrome. Also called: Hereditary Cancer Syndrome; Neoplastic Syndromes, Hereditary; Hereditary neoplastic syndrome; Tumor predisposition. Identifiers: Orphanet 140162, MedGen C0027672, MeSH D009386, MONDO:0015356.
Lynch syndrome 4 (LYNCH4). Also called: Colorectal cancer, hereditary nonpolyposis, type 4; Hereditary non-polyposis colorectal cancer, type 4. Identifiers: Orphanet 144, MedGen C1838333, MONDO:0013699, OMIM 614337. Disease mechanism: loss of function.

Submissions (9):

Labcorp Genetics (formerly Invitae), Labcorp
Classification: Pathogenic for Hereditary nonpolyposis colorectal neoplasms. Last evaluated: 2026-01-11. Review status: criteria provided, single submitter. Criteria: Invitae Variant Classification Sherloc (09022015). Collection method: clinical testing. Allele origin: germline.
Comment: This sequence change replaces proline, which is neutral and non-polar, with histidine, which is basic and polar, at codon 844 of the PMS2 protein (p.Pro844His). The frequency data for this variant in the population databases (gnomAD) is considered unreliable due to the presence of homologous sequence, such as pseudogenes or paralogs, in the genome. This missense change has been observed in individuals with constitutional mismatch repair deficiency syndrome, Lynch syndrome (PMID: 26318770; internal data). Invitae Evidence Modeling of clinical and family history, age, sex, and reported ancestry of multiple individuals with this PMS2 variant has been performed. This variant is expected to be pathogenic with a positive predictive value of at least 99%. This is a validated machine learning model that incorporates the clinical features of 1,627,235 individuals referred to our laboratory for PMS2 testing. ClinVar contains an entry for this variant (Variation ID: 142877). Invitae Evidence Modeling incorporating data from in vitro experimental studies (internal data) indicates that this missense variant is expected to disrupt PMS2 function with a positive predictive value of 95%. Experimental studies have shown that this missense change affects PMS2 function (PMID: 35451539). For these reasons, this variant has been classified as Pathogenic.

Color Diagnostics, LLC DBA Color Health
Classification: Likely pathogenic for Hereditary cancer-predisposing syndrome. Last evaluated: 2025-07-02. Review status: criteria provided, single submitter. Criteria: ACMG Guidelines, 2015. Collection method: clinical testing. Allele origin: germline.
Comment: This missense variant replaces proline with histidine at codon 844 of the PMS2 protein. Computational prediction suggests that this variant may have deleterious impact on protein structure and function. Functional studies have shown that this variant is deficient in in vitro mismatch repair assays (PMID: 30608896, 35451539). This variant has been observed as both homozygous and compound heterozygous in individuals affected with constitutional mismatch repair syndrome and whose tumors exhibited microsatellite instability and had lost PMS2 expression by immunohistochemistry (CMMRDPMID: 30608896, 33259954, 38552658, 26318770, 32642664, 31204389, 38789506). This variant has also been observed heterozygous in an individual affected with colorectal cancer whose tumor was microsatellite stable (MSS) and showed normal PMS2 expression (PMID: 28765196), indicating that the variant may display lower penetrance than typical PMS2 pathogenic variants This variant has not been identified in the general population by the Genome Aggregation Database (gnomAD). Based on the available evidence, this variant is classified as Likely Pathogenic.

Ambry Genetics
Classification: Likely pathogenic for Hereditary cancer-predisposing syndrome. Last evaluated: 2025-03-27. Review status: criteria provided, single submitter. Criteria: Ambry Variant Classification Scheme 2023. Collection method: clinical testing. Allele origin: germline.
Comment: The p.P844H variant (also known as c.2531C>A), located in coding exon 15 of the PMS2 gene, results from a C to A substitution at nucleotide position 2531. The proline at codon 844 is replaced by histidine, an amino acid with similar properties. Furthermore, tumor testing performed on this proband's glioma demonstrated loss of PMS2 expression on immunohistochemistry (IHC) with high microsatellite instability (MSI-H) and loss of PMS2 expression on IHC was also seen in non-neoplastic cells (Lavoine N et al. J. Med. Genet., 2015 Nov;52:770-8; Guerrini-Rousseau L et al. Neuro-Oncology Advances, 2019 Nov;1(1):1-13; doi:10.1093/noajnl/vdz033). This variant has also been identified in individuals whose Lynch syndrome associated tumors demonstrated loss of PMS2 expression on IHC, two of which also had a second somatic pathogenic PMS2 mutation identified (Ambry internal data, internal correspondence). This amino acid position is highly conserved in available vertebrate species. In addition, this alteration is predicted to be deleterious by in silico analysis. This missense alteration is located in a region that has a low rate of benign missense variation (Lek M et al. Nature. 2016 Aug 18;536(7616):285-91; DECIPHER: Database of Chromosomal Imbalance and Phenotype in Humans using Ensembl Resources. Firth H.V. et al. 2009. Am.J.Hum.Genet. 84, 524-533 (DOI)). This variant is considered to be rare based on population cohorts in the Genome Aggregation Database (gnomAD). Based on the majority of available evidence to date, this variant is likely to be pathogenic.

Women's Health and Genetics/Laboratory Corporation of America, LabCorp
Classification: Likely pathogenic for Hereditary nonpolyposis colon cancer. Last evaluated: 2024-11-25. Review status: criteria provided, single submitter. Criteria: LabCorp Variant Classification Summary - May 2015. Collection method: clinical testing. Allele origin: germline.
Comment: Variant summary: PMS2 c.2531C>A (p.Pro844His) results in a non-conservative amino acid change in the encoded protein sequence. Five of five in-silico tools predict a damaging effect of the variant on protein function. The variant was absent in 187528 control chromosomes (gnomAD). c.2531C>A has been reported in the literature in individuals affected with Constitutional mismatch repair deficiency (Lavoine_2015, Shuen_2019). These data indicate that the variant may be associated with disease. At least one publication reports experimental evidence evaluating an impact on protein function, finding that the variant results in <10% of normal mismatch repair activity (Rayner_2022). The following publications have been ascertained in the context of this evaluation (PMID: 26318770, 38552658, 35451539, 30608896). ClinVar contains an entry for this variant (Variation ID: 142877). Based on the evidence outlined above, the variant was classified as likely pathogenic.

GeneDx
Classification: Pathogenic. Last evaluated: 2024-01-09. Review status: criteria provided, single submitter. Criteria: GeneDx Variant Classification Process June 2021. Collection method: clinical testing. Allele origin: germline. Affected: yes.
Comment: Published functional studies demonstrate a damaging effect: deficient mismatch repair activity (PMID: 30608896, 35451539); In silico analysis supports that this missense variant has a deleterious effect on protein structure/function; Not observed at significant frequency in large population cohorts (gnomAD); This variant is associated with the following publications: (PMID: 26318770, 33259954, 32642664, 35451539, 30608896, 28765196, Fukui2011[Chapter], 18619468)

Myriad Genetics, Inc.
Classification: Pathogenic for Lynch syndrome 4. Last evaluated: 2023-09-25. Review status: criteria provided, single submitter. Criteria: Myriad Autosomal Dominant, Autosomal Recessive and X-Linked Classification Criteria (2023). Collection method: clinical testing. Allele origin: unknown.
Comment: This variant is considered pathogenic. Functional studies indicate this variant impacts protein function [PMID: 35451539]. This variant is expected to disrupt protein structure [Myriad internal data]. This variant has been reported in multiple individuals with clinical features of gene-specific disease [PMID: 26318770, 33259954].

Quest Diagnostics Nichols Institute San Juan Capistrano
Classification: Pathogenic. Last evaluated: 2023-04-26. Review status: criteria provided, single submitter. Criteria: Quest Diagnostics criteria. Collection method: clinical testing. Allele origin: unknown.
Comment: This variant has not been reported in large, multi-ethnic general populations. In the published literature, the variant has been reported in an individual homozygous for the variant and affected with constitutional mismatch repair deficiency syndrome (CMMRD) (PMID: 26318770 (2015)). Additionally, the variant has been reported in individuals with colorectal cancer (PMIDs: 30608896 (2019), 28765196 (2017)). Functional studies performed demonstrated reduced MMR activity (PMID: 30608896 (2019)). Analysis of this variant using bioinformatics tools for the prediction of the effect of amino acid changes on protein structure and function yielded predictions that this variant is damaging. Based on the available information, this variant is classified as pathogenic.

PreventionGenetics, part of Exact Sciences
Classification: Likely pathogenic for PMS2-related condition. Last evaluated: 2023-11-30. Review status: no assertion criteria provided. Collection method: clinical testing. Allele origin: germline. Not counted in ClinVar's aggregate classification.
Comment: The PMS2 c.2531C>A variant is predicted to result in the amino acid substitution p.Pro844His. This variant has been reported in the homozygous and presumed compound heterozygous state in three individuals with constitutional mismatch repair deficiency syndrome (Table 1, Lavoine et al. 2015. PubMed ID: 26318770; Table A1, Shuen et al. 2019. PubMed ID: 30608896; Table 1, Guerrini-Rousseau et al. 2019. PubMed ID: 32642664). It has been reported in an individual with a personal and/or family history of Lynch syndrome (Tables S1 and S11, Borras et al. 2017. PubMed ID: 28765196). In vitro experimental studies suggest this variant impairs mismatch repair activity (Table 1, Rayner et al. 2022. PubMed ID: 35451539). This variant has not been reported in a large population database, indicating this variant is rare. This variant is interpreted as likely pathogenic in ClinVar. This variant is interpreted as likely pathogenic.

University of Washington Department of Laboratory Medicine, University of Washington
Classification: Likely pathogenic for Lynch syndrome 4. Last evaluated: 2021-02-22. Review status: no assertion criteria provided. Collection method: clinical testing. Allele origin: unknown. Affected: yes. Not counted in ClinVar's aggregate classification.
Comment: An individual with a clinical phenotype consistent with constitutional mismatch repair deficiency was homozygous for PMS2 p.P844H (Lavoine 2015), which is most consistent with a pathogenic classification. The PMS2 p.P844H variant is rare in population databases.

Literature cited by the submitters: PubMed 26318770 (cited by 6 submitters); PubMed 35451539 (cited by 4 submitters); PubMed 28765196 (cited by 3 submitters); PubMed 30608896 (cited by 4 submitters); PubMed 22949387 (cited by Ambry Genetics); PubMed 23435383 (cited by Ambry Genetics); PubMed 32642664 (cited by Ambry Genetics and Quest Diagnostics Nichols Institute San Juan Capistrano); PubMed 33259954 (cited by Ambry Genetics and Myriad Genetics, Inc.); PubMed 38552658 (cited by Women's Health and Genetics/Laboratory Corporation of America, LabCorp).